The following is an entry in ClinVar:

ClinVar aggregate classification (germline): Likely benign (1 of 4 stars; one submission).

Conditions:
Leigh syndrome (NULS). Also called: Leigh's necrotizing encephalopathy; Leigh's disease; Leigh Syndrome (mtDNA deletion); Leigh Disease; Subacute necrotizing encephalopathy; Necrotizing encephalopathy infantile subacute of Leigh. Identifiers: Orphanet 506, MedGen C2931891, MONDO:0009723, OMIM 256000.

Submission:

Wong Mito Lab, Molecular and Human Genetics, Baylor College of Medicine
Classification: Likely benign for Leigh syndrome. Last evaluated: 2019-10-17. Review status: criteria provided, single submitter. Criteria: Modified ACMG Guidelines (Unpublished). Collection method: clinical testing. Allele origin: germline.
Comment: The NC_012920.1:m.4944A>G (YP_003024027.1:p.Ile159Val) variant in MTND2 gene is interpretated to be a Likely Benign variant based on the modified ACMG guidelines (unpublished). This variant meets the following evidence codes: BS1, BP4

NC_012920.1(MT-ND2):m.4944A>G

Gene: MT-ND2 (mitochondrially encoded NADH dehydrogenase 2; plus strand).
Variant type: single nucleotide variant.
Genome position: chrM-4944-A-G.
Identifiers: ClinVar variation 692525 (VCV000692525.1), dbSNP rs878971699, ClinGen allele CA337097002.